The following is an entry in ClinVar:

ClinVar aggregate classification (germline): Uncertain significance. Review status: criteria provided, multiple submitters, no conflicts (2 of 4 stars). 3 submissions from 3 submitters: Uncertain significance (3). Last evaluated 2025-08-24.

Conditions:
Hereditary cancer-predisposing syndrome. Also called: Tumor predisposition; Hereditary neoplastic syndrome; Neoplastic Syndromes, Hereditary; Hereditary Cancer Syndrome. Identifiers: Orphanet 140162, MedGen C0027672, MeSH D009386, MONDO:0015356.
EGFR-related lung cancer (EGFR). Identifiers: MedGen CN130014.

Allele frequency attached by ClinVar (database versions not stated): gnomAD exomes below 0.00001; gnomAD 0.00001; TOPMed 0.00001.
gnomAD v4.1: 8 of 1,613,990 alleles (0.0005%); highest among the groups gnomAD compares: African/African-American, 0.004%; no homozygotes.

Submissions (3):

Labcorp Genetics (formerly Invitae), Labcorp
Classification: Uncertain significance for EGFR-related lung cancer. Last evaluated: 2025-08-24. Review status: criteria provided, single submitter. Criteria: Invitae Variant Classification Sherloc (09022015). Collection method: clinical testing. Allele origin: germline.
Comment: This sequence change replaces glycine, which is neutral and non-polar, with alanine, which is neutral and non-polar, at codon 901 of the EGFR protein (p.Gly901Ala). This variant is present in population databases (no rsID available, gnomAD 0.01%). This variant has not been reported in the literature in individuals affected with EGFR-related conditions. ClinVar contains an entry for this variant (Variation ID: 1497132). An algorithm developed to predict the effect of missense changes on protein structure and function (PolyPhen-2) suggests that this variant is likely to be disruptive. In summary, the available evidence is currently insufficient to determine the role of this variant in disease. Therefore, it has been classified as a Variant of Uncertain Significance.

Ambry Genetics
Classification: Uncertain significance for Hereditary cancer-predisposing syndrome. Last evaluated: 2025-03-04. Review status: criteria provided, single submitter. Criteria: Ambry Variant Classification Scheme 2023. Collection method: clinical testing. Allele origin: germline.
Comment: The p.G901A variant (also known as c.2702G>C) is located in coding exon 23 of the EGFR gene. The glycine at codon 901 is replaced by alanine, an amino acid with similar properties. This change occurs in the first base pair of coding exon 23. This amino acid position is highly conserved in available vertebrate species. In addition, this alteration is predicted to be deleterious by in silico analysis. Based on the available evidence, the clinical significance of this variant remains unclear.

GeneDx
Classification: Uncertain significance. Last evaluated: 2024-03-15. Review status: criteria provided, single submitter. Criteria: GeneDx Variant Classification Process June 2021. Collection method: clinical testing. Allele origin: germline. Affected: yes.
Comment: Not observed at significant frequency in large population cohorts (gnomAD); In silico analysis supports that this missense variant has a deleterious effect on protein structure/function; Has not been previously published as pathogenic or benign to our knowledge

NM_005228.5(EGFR):c.2702G>C (p.Gly901Ala)

Gene: EGFR (epidermal growth factor receptor; plus strand). Cytogenetic location: 7p11.2.
Variant type: single nucleotide variant.
Coding change: c.2702G>C on transcript NM_005228.5 (MANE Select); coding-DNA position 2702, G replaced by C.
Protein change: p.Gly901Ala; replaces glycine 901 with alanine.
Molecular consequence: missense variant.
Genome position (GRCh38, 1-based): chr7:55,198,717, G>C. VCF-style: chr7-55198717-G-C. GRCh37 (hg19) VCF-style: chr7-55266410-G-C.
Other names: c.2567G>C, p.Gly856Ala (NM_001346897.2, NM_001346899.2); c.2702G>C, p.Gly901Ala (NM_001346898.2); c.2543G>C, p.Gly848Ala (NM_001346900.2); c.1901G>C, p.Gly634Ala (NM_001346941.2); c.2702G>C (NM_005228.3); short protein forms G634A, G848A, G856A, G901A.
Identifiers: ClinVar variation 1497132 (VCV001497132.8), dbSNP rs1009023863, ClinGen allele CA158936902.